The following is an entry in ClinVar:

ClinVar aggregate classification (germline): Uncertain significance. Review status: reviewed by expert panel (3 of 4 stars). 2 submissions from 2 submitters: Uncertain significance (1). 1 of the submissions does not count toward it. Last evaluated 2024-08-01.

Conditions:
Hereditary thrombocytopenia and hematologic cancer predisposition syndrome. Identifiers: Orphanet 71290, MedGen CN281654, MONDO:0011071.
Hereditary thrombocytopenia and hematological cancer predisposition syndrome associated with RUNX1. Also called: PLATELET DISORDER, ASPIRIN-LIKE; Familial Platelet Disorder with Propensity to Acute Myelogenous Leukemia; Familial thrombocytopenia with propensity to acute myelogenous leukemia; RUNX1 Familial Platelet Disorder with Associated Myeloid Malignancies. Identifiers: Orphanet 71290, MedGen C1832388, MeSH C563324, MONDO:0100083, OMIM 601399.

Allele frequency attached by ClinVar (database versions not stated): TOPMed below 0.00001; ExAC 0.00001; gnomAD exomes 0.00001; ESP Exome Variant Server 0.00008.
gnomAD v4.1: 7 of 1,549,254 alleles (0.00045%); highest among the groups gnomAD compares: Non-Finnish European, 0.00062%; no homozygotes.

Submissions (2):

ClinGen Myeloid Malignancy Variant Curation Expert Panel
Classification: Uncertain significance for Hereditary thrombocytopenia and hematologic cancer predisposition syndrome. Last evaluated: 2024-08-01. Review status: reviewed by expert panel. Criteria: ClinGen MyeloMalig ACMG Specifications v2. Collection method: curation. Allele origin: germline. Inheritance: Autosomal dominant inheritance.
Comment: NM_001754.5(RUNX1):c.97+1G>A is a splice donor variant which is only predicted to affect isoform c. This variant is present in three alleles (European Non-Finnish), 0.002656% in gnomAD v2.1.1, and is absent in gnomAD v3.1.2 (mean depth coverage 30x). This variant has been reported in two probands meeting at least one of the RUNX1-phenotypic criteria (PS4_Moderate; PMID: 33075818). In summary, this variant meets the criteria to be classified as a variant of unknown significance. ACMG/AMP criteria applied, as specified by the Myeloid Malignancy Variant Curation Expert Panel for RUNX1: PS4_Moderate.

Labcorp Genetics (formerly Invitae), Labcorp
Classification: Uncertain significance for Hereditary thrombocytopenia and hematological cancer predisposition syndrome associated with RUNX1. Last evaluated: 2023-09-11. Review status: criteria provided, single submitter. Criteria: Invitae Variant Classification Sherloc (09022015). Collection method: clinical testing. Allele origin: germline. Not counted in ClinVar's aggregate classification.
Comment: In summary, the available evidence is currently insufficient to determine the role of this variant in disease. Therefore, it has been classified as a Variant of Uncertain Significance. Algorithms developed to predict the effect of sequence changes on RNA splicing suggest that this variant may disrupt the consensus splice site. ClinVar contains an entry for this variant (Variation ID: 1067421). Disruption of this splice site has been observed in individual(s) with acute myeloid leukemia (PMID: 33075818). This variant is present in population databases (rs375131372, gnomAD 0.002%). This sequence change affects a donor splice site in intron 3 of the RUNX1 gene. However, it is currently unclear if variants that occur in this region of the gene cause disease.

Literature cited by the submitters: PubMed 33075818 (cited by Labcorp Genetics (formerly Invitae), Labcorp).

NM_001754.5(RUNX1):c.97+1G>A

Gene: RUNX1 (RUNX family transcription factor 1; minus strand). Cytogenetic location: 21q22.12.
Variant type: single nucleotide variant.
Coding change: c.97+1G>A on transcript NM_001754.5 (MANE Select); the canonical splice donor site of the intron after coding-DNA position 97, G replaced by A.
Molecular consequence: splice donor variant.
Genome position (GRCh38, 1-based): chr21:34,892,924, C>T on the plus strand (G>A on the coding strand, the complement: RUNX1 is on the minus strand). VCF-style: chr21-34892924-C-T. GRCh37 (hg19) VCF-style: chr21-36265221-C-T.
Identifiers: ClinVar variation 1067421 (VCV001067421.8), dbSNP rs375131372, ClinGen allele CA10014628.